The following is an entry in ClinVar:

NM_004247.4(EFTUD2):c.884A>T (p.Asp295Val)

Gene: EFTUD2 (elongation factor Tu GTP binding domain containing 2; minus strand). Cytogenetic location: 17q21.31.
Variant type: single nucleotide variant.
Coding change: c.884A>T on transcript NM_004247.4 (MANE Select); coding-DNA position 884, A replaced by T.
Protein change: p.Asp295Val; replaces aspartic acid 295 with valine.
Molecular consequence: missense variant.
Genome position (GRCh38, 1-based): chr17:44,872,556, T>A on the plus strand (A>T on the coding strand, the complement: EFTUD2 is on the minus strand). VCF-style: chr17-44872556-T-A. GRCh37 (hg19) VCF-style: chr17-42949924-T-A.
Other names: c.779A>T, p.Asp260Val (NM_001142605.2); c.884A>T, p.Asp295Val (NM_001258353.2); c.854A>T, p.Asp285Val (NM_001258354.2); short protein forms D285V, D260V, D295V.
Identifiers: ClinVar variation 3682367 (VCV003682367.2).
Genomic context (GRCh38, chr17:44,872,556, plus strand): 5'-CTGTACTGGGAGCTGGAGAAGCAGACGTTACCCAGGAGTGGGGAAAGGATCAGGTTCTCA[T>A]CAGTGGAATACATGCTGAAACAGAGACAGTGGTGAACACAGTGCCAGGCTGCAGCAGCCC-3'
Protein context (NP_004238.3, residues 285-305): VNGLISMYST[Asp295Val]ENLILSPLLG

ClinVar aggregate classification (germline): Uncertain significance (1 of 4 stars; one submission).

gnomAD v4.1: 2 of 1,611,252 alleles (0.00012%); highest among the groups gnomAD compares: Non-Finnish European, 0.00017%; no homozygotes.

Submission:

Labcorp Genetics (formerly Invitae), Labcorp
Classification: Uncertain significance. Last evaluated: 2024-07-10. Review status: criteria provided, single submitter. Criteria: Invitae Variant Classification Sherloc (09022015). Collection method: clinical testing. Allele origin: germline.
Comment: This sequence change replaces aspartic acid, which is acidic and polar, with valine, which is neutral and non-polar, at codon 295 of the EFTUD2 protein (p.Asp295Val). This variant is not present in population databases (gnomAD no frequency). This variant has not been reported in the literature in individuals affected with EFTUD2-related conditions. Advanced modeling of protein sequence and biophysical properties (such as structural, functional, and spatial information, amino acid conservation, physicochemical variation, residue mobility, and thermodynamic stability) performed at Invitae indicates that this missense variant is not expected to disrupt EFTUD2 protein function with a negative predictive value of 80%. In summary, the available evidence is currently insufficient to determine the role of this variant in disease. Therefore, it has been classified as a Variant of Uncertain Significance.